The following is an entry in ClinVar:

NM_005121.3(MED13):c.2234T>C (p.Met745Thr)

Gene: MED13 (mediator complex subunit 13; minus strand). Cytogenetic location: 17q23.2.
Variant type: single nucleotide variant.
Coding change: c.2234T>C on transcript NM_005121.3 (MANE Select); coding-DNA position 2234, T replaced by C.
Protein change: p.Met745Thr; replaces methionine 745 with threonine.
Molecular consequence: missense variant.
Genome position (GRCh38, 1-based): chr17:61,992,569, A>G on the plus strand (T>C on the coding strand, the complement: MED13 is on the minus strand). VCF-style: chr17-61992569-A-G. GRCh37 (hg19) VCF-style: chr17-60069930-A-G.
Other names: short protein forms M745T.
Identifiers: ClinVar variation 3384773 (VCV003384773.1).

ClinVar aggregate classification (germline): Uncertain significance (1 of 4 stars; one submission).

gnomAD v4.1: 1 of 1,611,754 alleles (0.000062%); highest among the groups gnomAD compares: Middle Eastern, 0.017%; no homozygotes.

Submission:

Women's Health and Genetics/Laboratory Corporation of America, LabCorp
Classification: Uncertain significance. Last evaluated: 2024-10-10. Review status: criteria provided, single submitter. Criteria: LabCorp Variant Classification Summary - May 2015. Collection method: clinical testing. Allele origin: germline.
Comment: Variant summary: MED13 c.2234T>C (p.Met745Thr) results in a non-conservative amino acid change in the encoded protein sequence. Three of five in-silico tools predict a damaging effect of the variant on protein function. The variant was absent in 248588 control chromosomes. The available data on variant occurrences in the general population are insufficient to allow any conclusion about variant significance. To our knowledge, no occurrence of c.2234T>C in individuals affected with Intellectual Developmental Disorder 61 and no experimental evidence demonstrating its impact on protein function have been reported. No submitters have cited clinical-significance assessments for this variant to ClinVar. Based on the evidence outlined above, the variant was classified as uncertain significance.